The following is an entry in ClinVar:

ClinVar aggregate classification (germline): Uncertain significance (1 of 4 stars; one submission).

Conditions:
Primary immunodeficiency with post-measles-mumps-rubella vaccine viral infection. Also called: Immunodeficiency 44. Identifiers: Orphanet 431166, MedGen C4225260, MONDO:0014715, OMIM 616636.

gnomAD v4.1: 2 of 1,613,966 alleles (0.00012%); highest among the groups gnomAD compares: African/African-American, 0.0013%; no homozygotes.

Submission:

Labcorp Genetics (formerly Invitae), Labcorp
Classification: Uncertain significance for Primary immunodeficiency with post-measles-mumps-rubella vaccine viral infection. Last evaluated: 2025-11-01. Review status: criteria provided, single submitter. Criteria: Invitae Variant Classification Sherloc (09022015). Collection method: clinical testing. Allele origin: germline.
Comment: This sequence change replaces aspartic acid, which is acidic and polar, with valine, which is neutral and non-polar, at codon 843 of the STAT2 protein (p.Asp843Val). This variant is present in population databases (rs766059622, gnomAD 0.007%). This variant has not been reported in the literature in individuals affected with STAT2-related conditions. An algorithm developed to predict the effect of missense changes on protein structure and function (PolyPhen-2) suggests that this variant is likely to be disruptive. In summary, the available evidence is currently insufficient to determine the role of this variant in disease. Therefore, it has been classified as a Variant of Uncertain Significance.

NM_005419.4(STAT2):c.2528A>T (p.Asp843Val)

Gene: STAT2 (signal transducer and activator of transcription 2; minus strand). Cytogenetic location: 12q13.3.
Variant type: single nucleotide variant.
Coding change: c.2528A>T on transcript NM_005419.4 (MANE Select); coding-DNA position 2528, A replaced by T.
Protein change: p.Asp843Val; replaces aspartic acid 843 with valine.
Molecular consequence: missense variant. On other transcripts: 3 prime UTR variant (1).
Genome position (GRCh38, 1-based): chr12:56,343,417, T>A on the plus strand (A>T on the coding strand, the complement: STAT2 is on the minus strand). VCF-style: chr12-56343417-T-A. GRCh37 (hg19) VCF-style: chr12-56737201-T-A.
Other names: c.2495A>T, p.Asp832Val (NM_001385110.1); c.2429A>T, p.Asp810Val (NM_001385111.1); c.*97A>T (NM_001385113.1); c.2507A>T, p.Asp836Val (NM_001385114.1); c.2486A>T, p.Asp829Val (NM_001385115.1); c.2516A>T, p.Asp839Val (NM_198332.2); short protein forms D839V, D829V, D832V, D810V, D843V, D836V.
Identifiers: ClinVar variation 4704848 (VCV004704848.1).